The following is an entry in ClinVar:

NM_001371279.1(REEP1):c.340_347del (p.Ser114fs)

Gene: REEP1 (receptor accessory protein 1; minus strand). Cytogenetic location: 2p11.2.
Variant type: Deletion.
Coding change: c.340_347del on transcript NM_001371279.1 (MANE Select); coding-DNA positions 340 to 347, 8 bases deleted (AGTTACGA; older notation c.340_347delAGTTACGA).
Protein change: p.Ser114fs; shifts the reading frame from serine 114.
Molecular consequence: frameshift variant. On other transcripts: intron variant (1).
Genome position (GRCh38, 1-based): chr2:86,252,027-86,252,034, TCGTAACT deleted on the plus strand (AGTTACGA on the coding strand, the reverse complement: REEP1 is on the minus strand); deleting any 8 consecutive bases within chr2:86,252,027-86,252,037 gives the same sequence; the c. name uses the placement nearest the transcript's 3' end. VCF-style (leftmost placement, unchanged base first): chr2-86252026-ATCGTAACT-A. GRCh37 (hg19) VCF-style: chr2-86479149-ATCGTAACT-A.
Other names: c.361_368del, p.Ser121fs (NM_001164730.2); c.259_266del, p.Ser87fs (NM_001164731.2); c.340_347del, p.Ser114fs (NM_001371280.1, NM_022912.3); c.182+11931_182+11938del (NM_001164732.2); c.340_347del (NM_022912.2); short protein forms S114fs, S121fs, S87fs.
Identifiers: ClinVar variation 932704 (VCV000932704.43), dbSNP rs1676310949, ClinGen allele CA1139657143.

ClinVar aggregate classification (germline): Conflicting classifications of pathogenicity. Review status: criteria provided, conflicting classifications (1 of 4 stars). 3 submissions from 3 submitters: Pathogenic (1); Uncertain significance (2). Last evaluated 2025-01-13.

Conditions:
Hereditary spastic paraplegia 31. Also called: SPASTIC PARAPLEGIA 31, AUTOSOMAL DOMINANT. Identifiers: Orphanet 101011, MedGen C1853247, MONDO:0012453, OMIM 610250.

Submissions (3):

GeneDx
Classification: Uncertain significance. Last evaluated: 2025-01-13. Review status: criteria provided, single submitter. Criteria: GeneDx Variant Classification Process June 2021. Collection method: clinical testing. Allele origin: germline. Affected: yes.
Comment: Observed in one patient from a cohort of patients with pure hereditary spastic paraplegia with a positive family history; however, detailed clinical information and segregation information were not provided (PMID: 18644145); Not observed at significant frequency in large population cohorts (gnomAD); Frameshift variant predicted to result in abnormal protein length as the last 88 amino acids are replaced with 69 different amino acids; This variant is associated with the following publications: (PMID: 30373780, 22703882, 18644145)

Labcorp Genetics (formerly Invitae), Labcorp
Classification: Uncertain significance for Hereditary spastic paraplegia 31. Last evaluated: 2023-06-21. Review status: criteria provided, single submitter. Criteria: Invitae Variant Classification Sherloc (09022015). Collection method: clinical testing. Allele origin: germline.
Comment: This sequence change creates a premature translational stop signal (p.Ser114Cysfs*70) in the REEP1 gene. While this is not anticipated to result in nonsense mediated decay, it is expected to disrupt the last 88 amino acid(s) of the REEP1 protein. This variant is not present in population databases (gnomAD no frequency). This premature translational stop signal has been observed in individual(s) with hereditary spastic paraplegia (PMID: 18644145). ClinVar contains an entry for this variant (Variation ID: 932704). This variant disrupts a region of the REEP1 protein in which other variant(s) (p.Gly183Ser ) have been observed in individuals with REEP1-related conditions (PMID: 30373780). This suggests that this is a clinically significant region of the protein, and that variants that disrupt it are likely to be disease-causing. In summary, the available evidence is currently insufficient to determine the role of this variant in disease. Therefore, it has been classified as a Variant of Uncertain Significance.

CeGaT Center for Human Genetics Tuebingen
Classification: Pathogenic. Last evaluated: 2020-04-01. Review status: criteria provided, single submitter. Criteria: CeGaT Center For Human Genetics Tuebingen Variant Classification Criteria Version 2. Collection method: clinical testing. Allele origin: germline. Affected: yes. Observed: 1 variant allele.

Literature cited by the submitters: PubMed 18644145 (cited by Labcorp Genetics (formerly Invitae), Labcorp); PubMed 30373780 (cited by Labcorp Genetics (formerly Invitae), Labcorp).